The following is an entry in ClinVar:

NM_004204.5(PIGQ):c.125C>T (p.Pro42Leu)

Gene: PIGQ (phosphatidylinositol glycan anchor biosynthesis class Q; plus strand). Cytogenetic location: 16p13.3.
Variant type: single nucleotide variant.
Coding change: c.125C>T on transcript NM_004204.5 (MANE Select); coding-DNA position 125, C replaced by T.
Protein change: p.Pro42Leu; replaces proline 42 with leucine.
Molecular consequence: missense variant.
Genome position (GRCh38, 1-based): chr16:574,199, C>T. VCF-style: chr16-574199-C-T. GRCh37 (hg19) VCF-style: chr16-624199-C-T.
Other names: c.125C>T, p.Pro42Leu (NM_148920.4); c.125C>T (NM_004204.3); short protein forms P42L.
Identifiers: ClinVar variation 2157283 (VCV002157283.2), dbSNP rs773989530, ClinGen allele CA7779788.
Genomic context (GRCh38, chr16:574,199, plus strand): 5'-GGTGGGTGCCGGAGCAGAGCAGCGCCGTGGTCCTGGCGGTCCTGCACTTTCCCTTCATCC[C>T]CATCCAGGTCAAGCAGCTCCTGGCCCAGGTGCGGCAGGCCAGCCAGGTGGGCGTGGCCGT-3'
Protein context (NP_004195.2, residues 32-52): VLAVLHFPFI[Pro42Leu]IQVKQLLAQV

ClinVar aggregate classification (germline): Uncertain significance. Review status: criteria provided, multiple submitters, no conflicts (2 of 4 stars). 2 submissions from 2 submitters: Uncertain significance (2). Last evaluated 2024-09-23.

Conditions:
Epilepsy. Also called: Seizure disorder. Identifiers: MedGen C0014544, MeSH D004827, MONDO:0005027.

Allele frequency attached by ClinVar (database versions not stated): ExAC 0.00001.

Submissions (2):

GeneDx
Classification: Uncertain significance. Last evaluated: 2024-09-23. Review status: criteria provided, single submitter. Criteria: GeneDx Variant Classification Process June 2021. Collection method: clinical testing. Allele origin: germline. Affected: yes.
Comment: In silico analysis supports that this missense variant has a deleterious effect on protein structure/function; Has not been previously published as pathogenic or benign to our knowledge

Labcorp Genetics (formerly Invitae), Labcorp
Classification: Uncertain significance for Epilepsy. Last evaluated: 2021-12-18. Review status: criteria provided, single submitter. Criteria: Invitae Variant Classification Sherloc (09022015). Collection method: clinical testing. Allele origin: germline.
Comment: This sequence change replaces proline, which is neutral and non-polar, with leucine, which is neutral and non-polar, at codon 42 of the PIGQ protein (p.Pro42Leu). This variant is present in population databases (rs773989530, gnomAD 0.01%). This variant has not been reported in the literature in individuals affected with PIGQ-related conditions. Algorithms developed to predict the effect of missense changes on protein structure and function are either unavailable or do not agree on the potential impact of this missense change (SIFT: "Tolerated"; PolyPhen-2: "Probably Damaging"; Align-GVGD: "Class C0"). In summary, the available evidence is currently insufficient to determine the role of this variant in disease. Therefore, it has been classified as a Variant of Uncertain Significance.